The following is an entry in ClinVar:

NM_002049.4(GATA1):c.734A>G (p.Lys245Arg)

Gene: GATA1 (GATA binding protein 1; plus strand). Cytogenetic location: Xp11.23.
Variant type: single nucleotide variant.
Coding change: c.734A>G on transcript NM_002049.4 (MANE Select); coding-DNA position 734, A replaced by G.
Protein change: p.Lys245Arg; replaces lysine 245 with arginine.
Molecular consequence: missense variant.
Genome position (GRCh38, 1-based): chrX:48,792,458, A>G. VCF-style: chrX-48792458-A-G. GRCh37 (hg19) VCF-style: chrX-48650865-A-G.
Other names: short protein forms K245R.
Identifiers: ClinVar variation 2689116 (VCV002689116.5), dbSNP rs372469171, ClinGen allele CA329106935.

ClinVar aggregate classification (germline): Uncertain significance. Review status: criteria provided, multiple submitters, no conflicts (2 of 4 stars). 2 submissions from 2 submitters: Uncertain significance (2). Last evaluated 2024-02-05.

Conditions:
Diamond-Blackfan anemia. Also called: Blackfan Diamond syndrome; Aregenerative anemia chronic congenital; Red cell aplasia, pure hereditary; Congenital hypoplastic anemia; Aase syndrome. Identifiers: Orphanet 124, MedGen C1260899, MeSH D029503, MONDO:0015253, HP:0004810.
GATA binding protein 1 related thrombocytopenia with dyserythropoiesis. Also called: GATA1-Related X-Linked Cytopenia; GATA1-Related Cytopenia. Identifiers: MedGen C1845837, MONDO:0100089.

Allele frequency attached by ClinVar (database versions not stated): gnomAD 0.00001; gnomAD exomes 0.00001; TOPMed 0.00001; ESP Exome Variant Server 0.00009.
gnomAD v4.1: 5 of 1,210,130 alleles (0.00041%); highest among the groups gnomAD compares: Non-Finnish European, 0.00056%; no homozygotes.

Submissions (2):

Labcorp Genetics (formerly Invitae), Labcorp
Classification: Uncertain significance for GATA binding protein 1 related thrombocytopenia with dyserythropoiesis; Diamond-Blackfan anemia. Last evaluated: 2024-02-05. Review status: criteria provided, single submitter. Criteria: Invitae Variant Classification Sherloc (09022015). Collection method: clinical testing. Allele origin: germline.
Comment: This sequence change replaces lysine, which is basic and polar, with arginine, which is basic and polar, at codon 245 of the GATA1 protein (p.Lys245Arg). This variant is not present in population databases (gnomAD no frequency). This variant has not been reported in the literature in individuals affected with GATA1-related conditions. Advanced modeling of protein sequence and biophysical properties (such as structural, functional, and spatial information, amino acid conservation, physicochemical variation, residue mobility, and thermodynamic stability) performed at Invitae indicates that this missense variant is not expected to disrupt GATA1 protein function with a negative predictive value of 80%. In summary, the available evidence is currently insufficient to determine the role of this variant in disease. Therefore, it has been classified as a Variant of Uncertain Significance.

Revvity Omics, Revvity
Classification: Uncertain significance. Last evaluated: 2023-02-03. Review status: criteria provided, single submitter. Criteria: ACMG Guidelines, 2015. Collection method: clinical testing. Allele origin: germline.